The following is an entry in ClinVar:

ClinVar aggregate classification (germline): Benign. Review status: criteria provided, multiple submitters, no conflicts (2 of 4 stars). 2 submissions from 2 submitters: Benign (2). Last evaluated 2018-06-14.

Allele frequency attached by ClinVar (database versions not stated): 1000 Genomes Project 0.45707; 1000 Genomes Project 30x 0.46190; TOPMed 0.59221; gnomAD 0.59843 and 0.60855; gnomAD exomes 0.63054.
gnomAD v4.1: 538,085 of 860,840 alleles (63%); highest among the groups gnomAD compares: Middle Eastern, 70%; 175,612 homozygotes.

Submissions (2):

GeneDx
Classification: Benign. Last evaluated: 2018-06-14. Review status: criteria provided, single submitter. Criteria: GeneDx Variant Classification (06012015). Collection method: clinical testing. Allele origin: germline. Affected: yes.
Comment: This variant is considered likely benign or benign based on one or more of the following criteria: it is a conservative change, it occurs at a poorly conserved position in the protein, it is predicted to be benign by multiple in silico algorithms, and/or has population frequency not consistent with disease.

Breakthrough Genomics
Classification: Benign. Review status: criteria provided, single submitter. Criteria: ACMG Guidelines, 2015. Collection method: not provided. Allele origin: germline. Inheritance: Autosomal recessive inheritance. Affected: yes.

NM_001130987.2(DYSF):c.1576+118G>A

Gene: DYSF (dysferlin; plus strand). Cytogenetic location: 2p13.2.
Variant type: single nucleotide variant.
Coding change: c.1576+118G>A on transcript NM_001130987.2 (MANE Select); 118 bases into the intron after coding-DNA position 1576, G replaced by A.
Molecular consequence: intron variant.
Genome position (GRCh38, 1-based): chr2:71,539,357, G>A. VCF-style: chr2-71539357-G-A. GRCh37 (hg19) VCF-style: chr2-71766487-G-A.
Other names: c.1573+118G>A (NM_001130979.2, NM_001130981.2, NM_001130980.2); c.1480+118G>A (NM_001130978.2, NM_003494.4, NM_001130977.2 and 1 more transcripts); c.1576+118G>A (NM_001130982.2, NM_001130985.2); c.1483+118G>A (NM_001130983.2, NM_001130455.2, NM_001130984.2 and 1 more transcripts).
Identifiers: ClinVar variation 679418 (VCV000679418.2), dbSNP rs7609409, ClinGen allele CA16101835.